The following is an entry in ClinVar:

ClinVar aggregate classification (germline): Likely benign (1 of 4 stars; one submission).

gnomAD v4.1: 1,221 of 1,607,064 alleles (0.076%); highest among the groups gnomAD compares: Non-Finnish European, 0.096%; 1 homozygote.

Submission:

CeGaT Center for Human Genetics Tuebingen
Classification: Likely benign. Last evaluated: 2026-03-01. Review status: criteria provided, single submitter. Criteria: CeGaT Center For Human Genetics Tuebingen Variant Classification Criteria Version 2. Collection method: clinical testing. Allele origin: germline. Affected: yes. Observed: 1 variant allele.
Comment: CUX1: BP4, BP7

NM_181552.4(CUX1):c.3432C>T (p.Leu1144=)

Gene: CUX1 (cut like homeobox 1; plus strand). Cytogenetic location: 7q22.1.
Variant type: single nucleotide variant.
Coding change: c.3432C>T on transcript NM_181552.4 (MANE Select); coding-DNA position 3432, C replaced by T.
Protein change: p.Leu1144=; no amino-acid change (leucine 1144 retained).
Molecular consequence: synonymous variant. On other transcripts: intron variant (5).
Genome position (GRCh38, 1-based): chr7:102,227,668, C>T. VCF-style: chr7-102227668-C-T. GRCh37 (hg19) VCF-style: chr7-101870948-C-T.
Other names: c.3465C>T, p.Leu1155= (NM_001202543.2); c.1255+32065C>T (NM_001913.5); c.1249+32065C>T (NM_181500.4); c.1117+32065C>T (NM_001202545.3); c.1207+32065C>T (NM_001202544.3); c.1138+32065C>T (NM_001202546.3).
Identifiers: ClinVar variation 4821454 (VCV004821454.4).